The following is an entry in ClinVar:

NM_004655.4(AXIN2):c.653T>C (p.Leu218Pro)

Gene: AXIN2 (axin 2; minus strand). Cytogenetic location: 17q24.1.
Variant type: single nucleotide variant.
Coding change: c.653T>C on transcript NM_004655.4 (MANE Select); coding-DNA position 653, T replaced by C.
Protein change: p.Leu218Pro; replaces leucine 218 with proline.
Molecular consequence: missense variant.
Genome position (GRCh38, 1-based): chr17:65,557,968, A>G on the plus strand (T>C on the coding strand, the complement: AXIN2 is on the minus strand). VCF-style: chr17-65557968-A-G. GRCh37 (hg19) VCF-style: chr17-63554086-A-G.
Other names: c.653T>C, p.Leu218Pro (NM_001363813.1); short protein forms L218P.
Identifiers: ClinVar variation 3224410 (VCV003224410.1), dbSNP rs2144583467, ClinGen allele CA400680565.

ClinVar aggregate classification (germline): Uncertain significance (1 of 4 stars; one submission).

Conditions:
Hereditary cancer-predisposing syndrome. Also called: Tumor predisposition; Hereditary neoplastic syndrome; Hereditary Cancer Syndrome; Neoplastic Syndromes, Hereditary. Identifiers: Orphanet 140162, MedGen C0027672, MeSH D009386, MONDO:0015356.

Submission:

Ambry Genetics
Classification: Uncertain significance for Hereditary cancer-predisposing syndrome. Last evaluated: 2023-10-16. Review status: criteria provided, single submitter. Criteria: Ambry Variant Classification Scheme 2023. Collection method: clinical testing. Allele origin: germline.
Comment: The p.L218P variant (also known as c.653T>C), located in coding exon 1 of the AXIN2 gene, results from a T to C substitution at nucleotide position 653. The leucine at codon 218 is replaced by proline, an amino acid with similar properties. This amino acid position is highly conserved in available vertebrate species. In addition, this alteration is predicted to be deleterious by in silico analysis. Since supporting evidence is limited at this time, the clinical significance of this alteration remains unclear.